The following is an entry in ClinVar:

ClinVar aggregate classification (germline): Uncertain significance (1 of 4 stars; one submission).

gnomAD v4.1: 16 of 1,612,760 alleles (0.00099%); highest among the groups gnomAD compares: South Asian, 0.0077%; no homozygotes.

Submission:

Labcorp Genetics (formerly Invitae), Labcorp
Classification: Uncertain significance. Last evaluated: 2024-06-17. Review status: criteria provided, single submitter. Criteria: Invitae Variant Classification Sherloc (09022015). Collection method: clinical testing. Allele origin: germline.
Comment: This sequence change affects codon 580 of the FOCAD mRNA. It is a 'silent' change, meaning that it does not change the encoded amino acid sequence of the FOCAD protein. This variant is present in population databases (rs755909554, gnomAD 0.006%). This variant has not been reported in the literature in individuals affected with FOCAD-related conditions. Experimental studies and prediction algorithms are not available or were not evaluated, and the effect of this variant on mRNA splicing is currently unknown. In summary, the available evidence is currently insufficient to determine the role of this variant in disease. Therefore, it has been classified as a Variant of Uncertain Significance.

NM_001375567.1(FOCAD):c.1740A>G (p.Gln580=)

Gene: FOCAD (focadhesin; plus strand). Cytogenetic location: 9p21.3.
Variant type: single nucleotide variant.
Coding change: c.1740A>G on transcript NM_001375567.1 (MANE Select); coding-DNA position 1740, A replaced by G.
Protein change: p.Gln580=; no amino-acid change (glutamine 580 retained).
Molecular consequence: synonymous variant.
Genome position (GRCh38, 1-based): chr9:20,821,018, A>G. VCF-style: chr9-20821018-A-G. GRCh37 (hg19) VCF-style: chr9-20821017-A-G.
Other names: c.1635A>G, p.Gln545= (NM_001375568.1, NM_001375570.1); c.1740A>G, p.Gln580= (NM_017794.5).
Identifiers: ClinVar variation 3611883 (VCV003611883.2).